The following is an entry in ClinVar:

ClinVar aggregate classification (germline): Uncertain significance (1 of 4 stars; one submission).

Allele frequency attached by ClinVar (database versions not stated): TOPMed 0.00001; ESP Exome Variant Server 0.00008.

Submission:

CeGaT Center for Human Genetics Tuebingen
Classification: Uncertain significance. Last evaluated: 2023-11-01. Review status: criteria provided, single submitter. Criteria: CeGaT Center For Human Genetics Tuebingen Variant Classification Criteria Version 2. Collection method: clinical testing. Allele origin: germline. Affected: yes. Observed: 1 variant allele.
Comment: POLR2A: PM2, PP2

NM_000937.5(POLR2A):c.812G>A (p.Arg271His)

Gene: POLR2A (RNA polymerase II subunit A; plus strand). Cytogenetic location: 17p13.1.
Variant type: single nucleotide variant.
Coding change: c.812G>A on transcript NM_000937.5 (MANE Select); coding-DNA position 812, G replaced by A.
Protein change: p.Arg271His; replaces arginine 271 with histidine.
Molecular consequence: missense variant.
Genome position (GRCh38, 1-based): chr17:7,497,038, G>A. VCF-style: chr17-7497038-G-A. GRCh37 (hg19) VCF-style: chr17-7400357-G-A.
Other names: short protein forms R271H.
Identifiers: ClinVar variation 2672679 (VCV002672679.23), dbSNP rs375201795, ClinGen allele CA287472014.